The following is an entry in ClinVar:

ClinVar aggregate classification (germline): Likely pathogenic. Review status: criteria provided, multiple submitters, no conflicts (2 of 4 stars). 2 submissions from 2 submitters: Likely pathogenic (2). Last evaluated 2022-10-02.

Conditions:
Hereditary cancer-predisposing syndrome. Also called: Tumor predisposition; Hereditary Cancer Syndrome; Neoplastic Syndromes, Hereditary; Hereditary neoplastic syndrome. Identifiers: Orphanet 140162, MedGen C0027672, MeSH D009386, MONDO:0015356.
Familial adenomatous polyposis 2. Also called: MYH-associated polyposis; FAP type 2; ADENOMAS, MULTIPLE COLORECTAL, AUTOSOMAL RECESSIVE; MUTYH Polyposis; MUTYH-associated polyposis; MUTYH-related attenuated familial adenomatous polyposis. Identifiers: Orphanet 220460, Orphanet 247798, MedGen C3272841, MONDO:0012041, OMIM 608456.

Submissions (2):

Baylor Genetics
Classification: Likely pathogenic for Familial adenomatous polyposis 2. Last evaluated: 2022-10-02. Review status: criteria provided, single submitter. Criteria: ACMG Guidelines, 2015. Collection method: clinical testing. Allele origin: unknown.

Ambry Genetics
Classification: Likely pathogenic for Hereditary cancer-predisposing syndrome. Last evaluated: 2015-05-20. Review status: criteria provided, single submitter. Criteria: Ambry Variant Classification Scheme 2023. Collection method: clinical testing. Allele origin: germline.
Comment: The c.1341_1342delTC variant, located in coding exon 14 of the MUTYH gene, results from a deletion of two nucleotides at positions 1341 and 1342, causing a translational frameshift with a predicted alternate stop codon. This deletion and subsequent frameshift occur near the 3' terminus of MUTYH and impact the last 101 amino acids of the protein, including a large portion of the DNA glycosylase functional domain. Alterations that lead to a translational frameshifts are typically deleterious in nature (ACMG Recommendations for Standards for Interpretation and Reporting of Sequence Variations. Revision 2007. Genet Med. 2008;10:294). As such, the c.1341_1342delTC variant is classified as likely pathogenic.

NM_001048174.2(MUTYH):c.1257_1258del (p.Ile421fs)

Gene: MUTYH (mutY DNA glycosylase; minus strand). Cytogenetic location: 1p34.1.
Variant type: Microsatellite.
Coding change: c.1257_1258del on transcript NM_001048174.2 (MANE Select); coding-DNA positions 1257 to 1258, 2 bases deleted (TC; older notation c.1257_1258delTC).
Protein change: p.Ile421fs; shifts the reading frame from isoleucine 421.
Molecular consequence: frameshift variant. On other transcripts: non-coding transcript variant (2).
Genome position (GRCh38, 1-based): chr1:45,331,316-45,331,317, GA deleted on the plus strand (TC on the coding strand, the reverse complement: MUTYH is on the minus strand); deleting any 2 consecutive bases within chr1:45,331,316-45,331,321 gives the same sequence; the c. name uses the placement nearest the transcript's 3' end. VCF-style (leftmost placement, unchanged base first): chr1-45331315-TGA-T. GRCh37 (hg19) VCF-style: chr1-45796987-TGA-T.
Other names: c.1257_1258del, p.Ile421fs (NM_001048171.2, NM_001048173.2, NM_001293195.2); c.1260_1261del, p.Ile422fs (NM_001048172.2); c.1341_1342del, p.Ile449fs (NM_001128425.2); c.1302_1303del, p.Ile436fs (NM_001293190.2); c.1290_1291del, p.Ile432fs (NM_001293191.2); c.981_982del, p.Ile329fs (NM_001293192.2, NM_001293196.2); c.912_913del, p.Ile306fs (NM_001350650.2, NM_001350651.2); c.1332_1333del, p.Ile446fs (NM_012222.3); and 1 more; short protein forms I421fs, I432fs, I422fs, I449fs, I306fs, I329fs, I436fs, I446fs.
Identifiers: ClinVar variation 231867 (VCV000231867.6), dbSNP rs876659414, ClinGen allele CA10577705.